The following is an entry in ClinVar:

ClinVar aggregate classification (germline): Uncertain significance (1 of 4 stars; one submission).

Submission:

Ambry Genetics
Classification: Uncertain significance. Last evaluated: 2021-01-28. Review status: criteria provided, single submitter. Criteria: Ambry Variant Classification Scheme 2023. Collection method: clinical testing. Allele origin: germline.
Comment: The p.A248V variant (also known as c.743C>T), located in coding exon 6 of the RECQL gene, results from a C to T substitution at nucleotide position 743. The alanine at codon 248 is replaced by valine, an amino acid with similar properties. This amino acid position is poorly conserved in available vertebrate species. In addition, this alteration is predicted to be tolerated by in silico analysis. Since supporting evidence is limited at this time, the clinical significance of this alteration remains unclear.

NM_002907.4(RECQL):c.743C>T (p.Ala248Val)

Gene: RECQL (RecQ like helicase; minus strand). Cytogenetic location: 12p12.1.
Variant type: single nucleotide variant.
Coding change: c.743C>T on transcript NM_002907.4 (MANE Select); coding-DNA position 743, C replaced by T.
Protein change: p.Ala248Val; replaces alanine 248 with valine.
Molecular consequence: missense variant.
Genome position (GRCh38, 1-based): chr12:21,477,927, G>A on the plus strand (C>T on the coding strand, the complement: RECQL is on the minus strand). VCF-style: chr12-21477927-G-A. GRCh37 (hg19) VCF-style: chr12-21630861-G-A.
Other names: c.743C>T, p.Ala248Val (NM_032941.3); short protein forms A248V.
Identifiers: ClinVar variation 1758922 (VCV001758922.2), dbSNP rs2540356900, ClinGen allele CA384124890.